The following is an entry in ClinVar:

ClinVar aggregate classification (germline): Uncertain significance (1 of 4 stars; one submission).

Conditions:
Giant axonal neuropathy 2. Also called: Giant axonal neuropathy 2, autosomal dominant. Identifiers: Orphanet 401964, MedGen C1864695, MONDO:0012411, OMIM 610100.

Submission:

Dasa
Classification: Uncertain significance for Giant axonal neuropathy 2. Last evaluated: 2025-09-19. Review status: criteria provided, single submitter. Criteria: DASA Assertion Criteria. Collection method: clinical testing. Allele origin: germline.
Comment: NM_015726.4(DCAF8):c.1423G>C (p.Gly475Arg) is a missense variant that results in the substitution of glycine with arginine. This variant is rare in population databases. Computational prediction algorithms are consistent with a deleterious effect. The currently available literature and clinical evidence are not sufficient to establish a definitive association between this variant and the reported condition. Therefore, this variant is classified as a variant of uncertain significance.

NM_015726.4(DCAF8):c.1423G>C (p.Gly475Arg)

Gene: DCAF8 (DDB1 and CUL4 associated factor 8; minus strand). Cytogenetic location: 1q23.2.
Variant type: single nucleotide variant.
Coding change: c.1423G>C on transcript NM_015726.4 (MANE Select); coding-DNA position 1423, G replaced by C.
Protein change: p.Gly475Arg; replaces glycine 475 with arginine.
Molecular consequence: missense variant. On other transcripts: non-coding transcript variant (2).
Genome position (GRCh38, 1-based): chr1:160,222,668, C>G on the plus strand (G>C on the coding strand, the complement: DCAF8 is on the minus strand). VCF-style: chr1-160222668-C-G. GRCh37 (hg19) VCF-style: chr1-160192458-C-G.
Other names: short protein forms G475R.
Identifiers: ClinVar variation 4881722 (VCV004881722.2).